The following is an entry in ClinVar:

ClinVar aggregate classification (germline): Likely pathogenic (1 of 4 stars; one submission).

Submission:

GeneDx
Classification: Likely pathogenic. Last evaluated: 2026-01-09. Review status: criteria provided, single submitter. Criteria: GeneDx Variant Classification Process June 2021. Collection method: clinical testing. Allele origin: germline.
Comment: Not observed at significant frequency in large population cohorts (gnomAD); In silico analysis supports that this missense variant has a deleterious effect on protein structure/function; Has not been previously published as pathogenic or benign to our knowledge

NM_182641.4(BPTF):c.2416A>T (p.Asn806Tyr)

Gene: BPTF (bromodomain PHD finger transcription factor; plus strand). Cytogenetic location: 17q24.2.
Variant type: single nucleotide variant.
Coding change: c.2416A>T on transcript NM_182641.4 (MANE Select); coding-DNA position 2416, A replaced by T.
Protein change: p.Asn806Tyr; replaces asparagine 806 with tyrosine.
Molecular consequence: missense variant.
Genome position (GRCh38, 1-based): chr17:67,894,038, A>T. VCF-style: chr17-67894038-A-T. GRCh37 (hg19) VCF-style: chr17-65890154-A-T.
Other names: c.2794A>T, p.Asn932Tyr (NM_004459.7); short protein forms N806Y, N932Y.
Identifiers: ClinVar variation 3369052 (VCV003369052.2).
Genomic context (GRCh38, chr17:67,894,038, plus strand): 5'-TTTTAATTTAAGGTCAACCTAGTGAAATAATTTCTCTCATTTCTTCTGAAATACAGGGCA[A>T]ATTGGATCAAGGCAGTTCAGATGTGTAGCAAACCCAGAGAATTTGCATTGGCTTTAGCCA-3'
Protein context (NP_872579.2, residues 796-816): LHPNWASHRA[Asn806Tyr]WIKAVQMCSK